The following is an entry in ClinVar:

NM_138425.4(C12orf57):c.143del (p.Gly48fs)

Gene: C12orf57 (chromosome 12 open reading frame 57; plus strand). Cytogenetic location: 12p13.31.
Variant type: Deletion.
Coding change: c.143del on transcript NM_138425.4 (MANE Select); coding-DNA position 143, one base deleted (G; older notation c.143delG).
Protein change: p.Gly48fs; shifts the reading frame from glycine 48.
Molecular consequence: frameshift variant. On other transcripts: splice donor variant (1).
Genome position (GRCh38, 1-based): chr12:6,944,566, G deleted; the last of 3 consecutive G bases (chr12:6,944,564-6,944,566); deleting any one gives the same sequence. VCF-style (leftmost placement, unchanged base first): chr12-6944563-TG-T. GRCh37 (hg19) VCF-style: chr12-7053726-TG-T.
Other names: c.143del, p.Gly48fs (NM_001301834.1); c.104del, p.Gly35fs (NM_001301836.2); c.38del, p.Gly13fs (NM_001301838.2); c.142+1del (NM_001301837.2); short protein forms G48fs, G13fs, G35fs.
Identifiers: ClinVar variation 2023867 (VCV002023867.4), dbSNP rs2542670199, ClinGen allele CA2580086278.

ClinVar aggregate classification (germline): Pathogenic (1 of 4 stars; one submission).

Conditions:
Temtamy syndrome (TEMTYS). Also called: MENTAL RETARDATION WITH OR WITHOUT CRANIOFACIAL DYSMORPHISM, OCULAR COLOBOMA, OR ABNORMAL CORPUS CALLOSUM. Identifiers: Orphanet 1777, MedGen C1857512, MONDO:0009033, OMIM 218340.

Submission:

Labcorp Genetics (formerly Invitae), Labcorp
Classification: Pathogenic for Temtamy syndrome. Last evaluated: 2022-10-13. Review status: criteria provided, single submitter. Criteria: Invitae Variant Classification Sherloc (09022015). Collection method: clinical testing. Allele origin: germline.
Comment: For these reasons, this variant has been classified as Pathogenic. This variant disrupts a region of the C12orf57 protein in which other variant(s) (p.Gln62*) have been determined to be pathogenic (PMID: 24798461). This suggests that this is a clinically significant region of the protein, and that variants that disrupt it are likely to be disease-causing. This variant has not been reported in the literature in individuals affected with C12orf57-related conditions. This variant is not present in population databases (gnomAD no frequency). This sequence change creates a premature translational stop signal (p.Gly48Valfs*55) in the C12orf57 gene. While this is not anticipated to result in nonsense mediated decay, it is expected to disrupt the last 79 amino acid(s) of the C12orf57 protein.

Literature cited by the submitters: PubMed 24798461.